The following is an entry in ClinVar:

NM_003791.4(MBTPS1):c.1191C>T (p.Gly397=)

Gene: MBTPS1 (membrane bound transcription factor peptidase, site 1; minus strand). Cytogenetic location: 16q23.3.
Variant type: single nucleotide variant.
Coding change: c.1191C>T on transcript NM_003791.4 (MANE Select); coding-DNA position 1191, C replaced by T.
Protein change: p.Gly397=; no amino-acid change (glycine 397 retained).
Molecular consequence: synonymous variant.
Genome position (GRCh38, 1-based): chr16:84,085,078, G>A on the plus strand (C>T on the coding strand, the complement: MBTPS1 is on the minus strand). VCF-style: chr16-84085078-G-A. GRCh37 (hg19) VCF-style: chr16-84118683-G-A.
Identifiers: ClinVar variation 1375628 (VCV001375628.7), dbSNP rs72799287, ClinGen allele CA8201419.
Genomic context (GRCh38, chr16:84,085,078, plus strand): 5'-AGAAGCAACACTGGTCCCTGAGAGGGCCCGGCACCCCCCTTTCACGCCAGAACCCCGCAC[G>A]CCAGCACCATAGGTGACAATGTCAGGTTTCATGCGACCGTAGCCTCCTGGTAGCTCCTAT-3'
Protein context (NP_003782.1, residues 387-407): MKPDIVTYGA[Gly397=]VRGSGVKGGC

ClinVar aggregate classification (germline): Uncertain significance. Review status: criteria provided, multiple submitters, no conflicts (2 of 4 stars). 2 submissions from 2 submitters: Uncertain significance (2). Last evaluated 2022-06-29.

Allele frequency attached by ClinVar (database versions not stated): ExAC 0.00002; gnomAD exomes 0.00003; gnomAD 0.00004 and 0.00005; TOPMed 0.00004; 1000 Genomes Project 30x 0.00016.

Submissions (2):

Labcorp Genetics (formerly Invitae), Labcorp
Classification: Uncertain significance. Last evaluated: 2022-06-29. Review status: criteria provided, single submitter. Criteria: Invitae Variant Classification Sherloc (09022015). Collection method: clinical testing. Allele origin: germline.
Comment: In summary, the available evidence is currently insufficient to determine the role of this variant in disease. Therefore, it has been classified as a Variant of Uncertain Significance. Algorithms developed to predict the effect of sequence changes on RNA splicing suggest that this variant may disrupt the consensus splice site. This variant has not been reported in the literature in individuals affected with MBTPS1-related conditions. This variant is present in population databases (rs72799287, gnomAD 0.006%). This sequence change affects codon 397 of the MBTPS1 mRNA. It is a 'silent' change, meaning that it does not change the encoded amino acid sequence of the MBTPS1 protein.

Breakthrough Genomics
Classification: Uncertain significance. Review status: criteria provided, single submitter. Criteria: ACMG Guidelines, 2015. Collection method: not provided. Allele origin: germline. Inheritance: Autosomal recessive inheritance. Affected: yes.